The following is an entry in ClinVar:

ClinVar aggregate classification (germline): Benign. Review status: criteria provided, multiple submitters, no conflicts (2 of 4 stars). 7 submissions from 7 submitters: Benign (7). Last evaluated 2026-02-04.

Conditions:
Ciliary dyskinesia, primary, 40. Also called: CILIARY DYSKINESIA, PRIMARY, 40, WITH OR WITHOUT SITUS INVERSUS. Identifiers: MedGen C4749028, MONDO:0032664, OMIM 618300.

Allele frequency attached by ClinVar (database versions not stated): ESP Exome Variant Server 0.34599; gnomAD 0.35841 and 0.37266; TOPMed 0.37235; gnomAD exomes 0.42194 and 0.45936; 1000 Genomes Project 30x 0.43613; 1000 Genomes Project 0.44329; ExAC 0.45216.
gnomAD v4.1: 666,109 of 1,594,930 alleles (42%); highest among the groups gnomAD compares: South Asian, 60%; 145,822 homozygotes.

Submissions (7):

Labcorp Genetics (formerly Invitae), Labcorp
Classification: Benign. Last evaluated: 2026-02-04. Review status: criteria provided, single submitter. Criteria: Invitae Variant Classification Sherloc (09022015). Collection method: clinical testing. Allele origin: germline.

Blueprint Genetics
Classification: Benign. Last evaluated: 2024-11-28. Review status: criteria provided, single submitter. Criteria: ACMG Guidelines, 2015. Collection method: clinical testing. Allele origin: germline.

Mayo Clinic Laboratories, Mayo Clinic
Classification: Benign. Last evaluated: 2022-04-26. Review status: criteria provided, single submitter. Criteria: ACMG Guidelines, 2015. Collection method: clinical testing. Allele origin: germline. Observed: 132 variant alleles.

Genome-Nilou Lab
Classification: Benign for Ciliary dyskinesia, primary, 40. Last evaluated: 2021-07-30. Review status: criteria provided, single submitter. Criteria: ACMG Guidelines, 2015. Collection method: clinical testing. Allele origin: germline. Affected: no.

GeneDx
Classification: Benign. Last evaluated: 2021-05-04. Review status: criteria provided, single submitter. Criteria: GeneDx Variant Classification Process June 2021. Collection method: clinical testing. Allele origin: germline. Affected: yes.

Laboratory for Molecular Medicine, Mass General Brigham Personalized Medicine
Classification: Benign. Last evaluated: 2016-03-28. Review status: criteria provided, single submitter. Criteria: LMM Criteria. Collection method: clinical testing. Allele origin: germline.
Comment: Variant identified in a genome or exome case(s) and assessed due to predicted null impact of the variant or pathogenic assertions in the literature or databases. Disclaimer: This variant has not undergone full assessment. The following are preliminary notes: Frequency

Breakthrough Genomics
Classification: Benign. Review status: criteria provided, single submitter. Criteria: ACMG Guidelines, 2015. Collection method: not provided. Allele origin: germline. Inheritance: Autosomal recessive inheritance. Affected: yes.

NM_001372.4(DNAH9):c.429C>T (p.Pro143=)

Gene: DNAH9 (dynein axonemal heavy chain 9; plus strand). Cytogenetic location: 17p12.
Variant type: single nucleotide variant.
Coding change: c.429C>T on transcript NM_001372.4 (MANE Select); coding-DNA position 429, C replaced by T.
Protein change: p.Pro143=; no amino-acid change (proline 143 retained).
Molecular consequence: synonymous variant.
Genome position (GRCh38, 1-based): chr17:11,608,140, C>T. VCF-style: chr17-11608140-C-T. GRCh37 (hg19) VCF-style: chr17-11511457-C-T.
Other names: p.Pro143=.
Identifiers: ClinVar variation 402773 (VCV000402773.19), dbSNP rs11078022, ClinGen allele CA8394538.